The following is an entry in ClinVar:

ClinVar aggregate classification (germline): Uncertain significance (1 of 4 stars; one submission).

Conditions:
Hereditary cancer-predisposing syndrome. Also called: Hereditary neoplastic syndrome; Hereditary Cancer Syndrome; Neoplastic Syndromes, Hereditary; Tumor predisposition. Identifiers: Orphanet 140162, MedGen C0027672, MeSH D009386, MONDO:0015356.

Allele frequency attached by ClinVar (database versions not stated): gnomAD exomes below 0.00001.
gnomAD v4.1: 1 of 1,573,124 alleles (0.000064%); highest among the groups gnomAD compares: Non-Finnish European, 0.000087%; no homozygotes.

Submission:

Ambry Genetics
Classification: Uncertain significance for Hereditary cancer-predisposing syndrome. Last evaluated: 2023-04-01. Review status: criteria provided, single submitter. Criteria: Ambry Variant Classification Scheme 2023. Collection method: clinical testing. Allele origin: germline.
Comment: The p.I732M variant (also known as c.2196T>G), located in coding exon 9 of the BLM gene, results from a T to G substitution at nucleotide position 2196. The isoleucine at codon 732 is replaced by methionine, an amino acid with highly similar properties. This amino acid position is conserved. In addition, the in silico prediction for this alteration is inconclusive. Since supporting evidence is limited at this time, the clinical significance of this alteration remains unclear.

NM_000057.4(BLM):c.2196T>G (p.Ile732Met)

Gene: BLM (BLM RecQ like helicase; plus strand). Cytogenetic location: 15q26.1.
Variant type: single nucleotide variant.
Coding change: c.2196T>G on transcript NM_000057.4 (MANE Select); coding-DNA position 2196, T replaced by G.
Protein change: p.Ile732Met; replaces isoleucine 732 with methionine.
Molecular consequence: missense variant.
Genome position (GRCh38, 1-based): chr15:90,766,912, T>G. VCF-style: chr15-90766912-T-G. GRCh37 (hg19) VCF-style: chr15-91310142-T-G.
Other names: c.2196T>G, p.Ile732Met (NM_001287246.2, NM_001287247.2); c.1071T>G, p.Ile357Met (NM_001287248.2); short protein forms I732M, I357M.
Identifiers: ClinVar variation 2566816 (VCV002566816.2), dbSNP rs2505446411, ClinGen allele CA393844771.